The following is an entry in ClinVar:

NM_172351.3(CD46):c.1083-1_1084del

Gene: CD46 (CD46 molecule; plus strand). Cytogenetic location: 1q32.2.
Variant type: Deletion.
Coding change: c.1083-1_1084del on transcript NM_172351.3 (MANE Select); the canonical splice acceptor site of the intron before coding-DNA position 1083 through coding-DNA position 1084, 3 bases deleted (GCA; older notation c.1083-1_1084delGCA).
Molecular consequence: splice acceptor variant. On other transcripts: intron variant (7).
Genome position (GRCh38, 1-based): chr1:207,790,252-207,790,254, GCA deleted; deleting any 3 consecutive bases within chr1:207,790,250-207,790,254 gives the same sequence; the c. name uses the placement nearest the transcript's 3' end. VCF-style (leftmost placement, unchanged base first): chr1-207790249-TCAG-T. GRCh37 (hg19) VCF-style: chr1-207963594-TCAG-T.
Other names: c.1128-1_1129del (NM_002389.4); c.1128-3267_1128-3265del (NM_172359.3); c.1083-3267_1083-3265del (NM_153826.4); c.1046-3267_1046-3265del (NM_172358.3); c.1041-1_1042del (NM_172355.3); c.1041-3267_1041-3265del (NM_172356.3); c.1038-1_1039del (NM_172352.3); c.1038-3267_1038-3265del (NM_172353.3); and 3 more.
Identifiers: ClinVar variation 2028888 (VCV002028888.4), dbSNP rs2526800352, ClinGen allele CA2574123886.

ClinVar aggregate classification (germline): Uncertain significance (1 of 4 stars; one submission).

Submission:

Labcorp Genetics (formerly Invitae), Labcorp
Classification: Uncertain significance. Last evaluated: 2022-12-29. Review status: criteria provided, single submitter. Criteria: Invitae Variant Classification Sherloc (09022015). Collection method: clinical testing. Allele origin: germline.
Comment: In summary, the available evidence is currently insufficient to determine the role of this variant in disease. Therefore, it has been classified as a Variant of Uncertain Significance. Variants that disrupt the consensus splice site are a relatively common cause of aberrant splicing (PMID: 17576681, 9536098). Algorithms developed to predict the effect of sequence changes on RNA splicing suggest that this variant may disrupt the consensus splice site. This variant results in the deletion of part of exon 13 (c.1128-1_1129del) of the CD46 gene. While this variant is not anticipated to result in nonsense mediated decay, it likely alters RNA splicing and results in a disrupted protein product. This variant is not present in population databases (gnomAD no frequency). This variant has not been reported in the literature in individuals affected with CD46-related conditions.

Literature cited by the submitters: PubMed 17576681; PubMed 9536098.